The following is an entry in ClinVar:

NM_002048.3(GAS1):c.842A>G (p.Glu281Gly)

Gene: GAS1 (growth arrest specific 1; minus strand). Cytogenetic location: 9q21.33.
Variant type: single nucleotide variant.
Coding change: c.842A>G on transcript NM_002048.3 (MANE Select); coding-DNA position 842, A replaced by G.
Protein change: p.Glu281Gly; replaces glutamic acid 281 with glycine.
Molecular consequence: missense variant.
Genome position (GRCh38, 1-based): chr9:86,945,938, T>C on the plus strand (A>G on the coding strand, the complement: GAS1 is on the minus strand). VCF-style: chr9-86945938-T-C. GRCh37 (hg19) VCF-style: chr9-89560853-T-C.
Other names: short protein forms E281G.
Identifiers: ClinVar variation 2882353 (VCV002882353.3), dbSNP rs749020654, ClinGen allele CA5109384.

ClinVar aggregate classification (germline): Uncertain significance (1 of 4 stars; one submission).

Allele frequency attached by ClinVar (database versions not stated): gnomAD exomes 0.00015; gnomAD 0.00012; TOPMed 0.00007; ExAC 0.00033.
gnomAD v4.1: 229 of 1,589,998 alleles (0.014%); highest among the groups gnomAD compares: South Asian, 0.034%; no homozygotes.

Submission:

Labcorp Genetics (formerly Invitae), Labcorp
Classification: Uncertain significance. Last evaluated: 2025-07-15. Review status: criteria provided, single submitter. Criteria: Invitae Variant Classification Sherloc (09022015). Collection method: clinical testing. Allele origin: germline.
Comment: This sequence change replaces glutamic acid, which is acidic and polar, with glycine, which is neutral and non-polar, at codon 281 of the GAS1 protein (p.Glu281Gly). This variant is present in population databases (rs749020654, gnomAD 0.04%). This variant has not been reported in the literature in individuals affected with GAS1-related conditions. ClinVar contains an entry for this variant (Variation ID: 2882353). An algorithm developed to predict the effect of missense changes on protein structure and function (PolyPhen-2) suggests that this variant is likely to be disruptive. In summary, the available evidence is currently insufficient to determine the role of this variant in disease. Therefore, it has been classified as a Variant of Uncertain Significance.